The following is an entry in ClinVar:

ClinVar aggregate classification (germline): Uncertain significance. Review status: criteria provided, multiple submitters, no conflicts (2 of 4 stars). 2 submissions from 2 submitters: Uncertain significance (2). Last evaluated 2025-11-23.

Conditions:
Atrial conduction disease. Identifiers: Orphanet 436242, MedGen CN221670, MONDO:0014500.

Allele frequency attached by ClinVar (database versions not stated): gnomAD exomes 0.00001 and 0.00003; ExAC 0.00002; gnomAD 0.00007 and 0.00009; TOPMed 0.00010.
gnomAD v4.1: 25 of 1,606,536 alleles (0.0016%); highest among the groups gnomAD compares: African/African-American, 0.027%; no homozygotes.

Submissions (2):

Labcorp Genetics (formerly Invitae), Labcorp
Classification: Uncertain significance. Last evaluated: 2025-11-23. Review status: criteria provided, single submitter. Criteria: Invitae Variant Classification Sherloc (09022015). Collection method: clinical testing. Allele origin: germline.
Comment: This sequence change replaces serine, which is neutral and polar, with proline, which is neutral and non-polar, at codon 471 of the TNNI3K protein (p.Ser471Pro). This variant is present in population databases (rs746948672, gnomAD 0.03%). This variant has not been reported in the literature in individuals affected with TNNI3K-related conditions. ClinVar contains an entry for this variant (Variation ID: 1464261). Invitae Evidence Modeling of protein sequence and biophysical properties (such as structural, functional, and spatial information, amino acid conservation, physicochemical variation, residue mobility, and thermodynamic stability) has been performed for this missense variant. However, the output from this modeling did not meet the statistical confidence thresholds required to predict the impact of this variant on TNNI3K protein function. In summary, the available evidence is currently insufficient to determine the role of this variant in disease. Therefore, it has been classified as a Variant of Uncertain Significance.

Clinical Genomics Laboratory, Washington University in St. Louis
Classification: Uncertain significance for Cardiac conduction disease with or without dilated cardiomyopathy 1. Last evaluated: 2025-06-18. Review status: criteria provided, single submitter. Criteria: ACMG Guidelines, 2015. Collection method: clinical testing. Allele origin: germline.
Comment: The TNNI3K c.1411T>C (p.Ser471Pro) variant, to our knowledge, has not been reported in the medical literature. This variant is only observed in 25/1,606,536 alleles in the general population (gnomAD v4.1.0), indicating it is not a common variant. Computational predictors indicate that the variant is damaging, evidence that correlates with impact to TNNI3K function. This variant has been reported in the ClinVar database as a germline variant of uncertain significance by a single submitter. Due to limited information, and based on ACMG/AMP guidelines for variant interpretation (Richards S et al., PMID: 25741868), the clinical significance of this variant is uncertain at this time

NM_015978.3(TNNI3K):c.1411T>C (p.Ser471Pro)

Genes: FPGT-TNNI3K (FPGT-TNNI3K readthrough; plus strand), TNNI3K (TNNI3 interacting kinase; plus strand). Cytogenetic location: 1p31.1.
Variant type: single nucleotide variant.
Coding change: c.1411T>C on transcript NM_015978.3 (MANE Select); coding-DNA position 1411, T replaced by C.
Protein change: p.Ser471Pro; replaces serine 471 with proline.
Molecular consequence: missense variant.
Genome position (GRCh38, 1-based): chr1:74,369,111, T>C. VCF-style: chr1-74369111-T-C. GRCh37 (hg19) VCF-style: chr1-74834795-T-C.
Other names: c.1714T>C, p.Ser572Pro (NM_001112808.3, NM_001199327.2); short protein forms S572P, S471P.
Identifiers: ClinVar variation 1464261 (VCV001464261.7), dbSNP rs746948672, ClinGen allele CA909266.